The following is an entry in ClinVar:

NM_020975.6(RET):c.1038C>T (p.Phe346=)

Gene: RET (ret proto-oncogene; plus strand). Cytogenetic location: 10q11.21.
Variant type: single nucleotide variant.
Coding change: c.1038C>T on transcript NM_020975.6 (MANE Select); coding-DNA position 1038, C replaced by T.
Protein change: p.Phe346=; no amino-acid change (phenylalanine 346 retained).
Molecular consequence: synonymous variant. On other transcripts: intron variant (25).
Genome position (GRCh38, 1-based): chr10:43,106,546, C>T. VCF-style: chr10-43106546-C-T. GRCh37 (hg19) VCF-style: chr10-43601994-C-T.
Other names: c.1038C>T, p.Phe346= (NM_000323.2, NM_001406743.1, NM_001406744.1 and 6 more transcripts); c.276C>T, p.Phe92= (NM_001355216.2); c.909C>T, p.Phe303= (NM_001406761.1, NM_001406762.1, NM_001406764.1 and 1 more transcripts); c.750C>T, p.Phe250= (NM_001406766.1, NM_001406767.1, NM_001406770.1); c.867+1353C>T (NM_001406772.1, NM_001406769.1); c.626-2485C>T (NM_001406773.1, NM_001406771.1); c.625+3917C>T (NM_001406782.1, NM_001406780.1, NM_001406779.1 and 3 more transcripts); c.738+1353C>T (NM_001406774.1); and 5 more.
Identifiers: ClinVar variation 706913 (VCV000706913.14), dbSNP rs1240935395, ClinGen allele CA469024026.

ClinVar aggregate classification (germline): Benign/Likely benign. Review status: criteria provided, multiple submitters, no conflicts (2 of 4 stars). 3 submissions from 3 submitters: Benign (1); Likely benign (2). Last evaluated 2025-09-22.

Conditions:
Hereditary cancer-predisposing syndrome. Also called: Neoplastic Syndromes, Hereditary; Hereditary Cancer Syndrome; Tumor predisposition; Hereditary neoplastic syndrome. Identifiers: Orphanet 140162, MedGen C0027672, MeSH D009386, MONDO:0015356.
Multiple endocrine neoplasia type 2A. Also called: MULTIPLE ENDOCRINE NEOPLASIA, TYPE IIA; PTC SYNDROME; SIPPLE SYNDROME; MEN 2A; MEN-2A syndrome; Pheochromocytoma and amyloid producing medullary thyroid carcinoma. Identifiers: Orphanet 247698, Orphanet 653, MedGen C0025268, MeSH D018813, MONDO:0008234, OMIM 171400.
Multiple endocrine neoplasia, type 2 (MEN2). Identifiers: Orphanet 653, MedGen C4048306, MONDO:0019003. Disease mechanism: gain of function.

Allele frequency attached by ClinVar (database versions not stated): gnomAD 0.00001; gnomAD exomes 0.00001; TOPMed 0.00002.
gnomAD v4.1: 11 of 1,613,518 alleles (0.00068%); highest among the groups gnomAD compares: Middle Eastern, 0.016%; no homozygotes.

Submissions (3):

Labcorp Genetics (formerly Invitae), Labcorp
Classification: Likely benign for Multiple endocrine neoplasia, type 2. Last evaluated: 2025-09-22. Review status: criteria provided, single submitter. Criteria: Invitae Variant Classification Sherloc (09022015). Collection method: clinical testing. Allele origin: germline.

Myriad Genetics, Inc.
Classification: Benign for Multiple endocrine neoplasia type 2A. Last evaluated: 2025-02-25. Review status: criteria provided, single submitter. Criteria: Myriad Autosomal Dominant, Autosomal Recessive and X-Linked Classification Criteria (2023). Collection method: clinical testing. Allele origin: unknown.
Comment: This variant is considered benign. This variant is a silent/synonymous amino acid change and it is not expected to impact splicing.

Ambry Genetics
Classification: Likely benign for Hereditary cancer-predisposing syndrome. Last evaluated: 2022-11-10. Review status: criteria provided, single submitter. Criteria: Ambry Variant Classification Scheme 2023. Collection method: clinical testing. Allele origin: germline.